The following is an entry in ClinVar:

ClinVar aggregate classification (germline): Uncertain significance (1 of 4 stars; one submission).

Submission:

GeneDx
Classification: Uncertain significance. Last evaluated: 2025-08-06. Review status: criteria provided, single submitter. Criteria: GeneDx Variant Classification Process June 2021. Collection method: clinical testing. Allele origin: germline. Affected: yes.
Comment: Not observed at significant frequency in large population cohorts (gnomAD); In silico analysis suggests that this missense variant does not alter protein structure/function; Has not been previously published as pathogenic or benign to our knowledge

NM_000384.3(APOB):c.2935G>C (p.Gly979Arg)

Gene: APOB (apolipoprotein B; minus strand). Cytogenetic location: 2p24.1.
Variant type: single nucleotide variant.
Coding change: c.2935G>C on transcript NM_000384.3 (MANE Select); coding-DNA position 2935, G replaced by C.
Protein change: p.Gly979Arg; replaces glycine 979 with arginine.
Molecular consequence: missense variant.
Genome position (GRCh38, 1-based): chr2:21,019,787, C>G on the plus strand (G>C on the coding strand, the complement: APOB is on the minus strand). VCF-style: chr2-21019787-C-G. GRCh37 (hg19) VCF-style: chr2-21242659-C-G.
Other names: short protein forms G979R.
Identifiers: ClinVar variation 4755586 (VCV004755586.1).